The following is an entry in ClinVar:

ClinVar aggregate classification (germline): Pathogenic (1 of 4 stars; one submission).

Submission:

Labcorp Genetics (formerly Invitae), Labcorp
Classification: Pathogenic. Last evaluated: 2021-09-19. Review status: criteria provided, single submitter. Criteria: Invitae Variant Classification Sherloc (09022015). Collection method: clinical testing. Allele origin: germline.
Comment: This sequence change replaces glycine with aspartic acid at codon 887 of the COL4A5 protein (p.Gly887Asp). The glycine residue is highly conserved and there is a moderate physicochemical difference between glycine and aspartic acid. This variant is not present in population databases (ExAC no frequency). This variant has not been reported in the literature in individuals affected with COL4A5-related conditions. Advanced modeling of protein sequence and biophysical properties (such as structural, functional, and spatial information, amino acid conservation, physicochemical variation, residue mobility, and thermodynamic stability) performed at Invitae indicates that this missense variant is expected to disrupt COL4A5 protein function. This variant disrupts the triple helix domain of COL4A5. Glycine residues within the Gly-Xaa-Yaa repeats of the triple helix domain are required for the structure and stability of fibrillar collagens (PMID: 7695699, 8218237, 19344236). In COL4A5, missense variants at these glycine residues are significantly enriched in individuals with disease (PMID: 23720012, 27627812) compared to the general population (ExAC). This variant disrupts the p.Gly887 amino acid residue in COL4A5. Other variant(s) that disrupt this residue have been determined to be pathogenic (PMID: 15954103; Invitae). This suggests that this residue is clinically significant, and that variants that disrupt this residue are likely to be disease-causing. For these reasons, this variant has been classified as Pathogenic.

Literature cited by the submitters: PubMed 7695699; PubMed 8218237; PubMed 19344236; PubMed 23720012; PubMed 27627812; PubMed 15954103.

NM_033380.3(COL4A5):c.2660G>A (p.Gly887Asp)

Gene: COL4A5 (collagen type IV alpha 5 chain; plus strand). Cytogenetic location: Xq22.3.
Variant type: single nucleotide variant.
Coding change: c.2660G>A on transcript NM_033380.3 (MANE Select); coding-DNA position 2660, G replaced by A.
Protein change: p.Gly887Asp; replaces glycine 887 with aspartic acid.
Molecular consequence: missense variant.
Genome position (GRCh38, 1-based): chrX:108,620,409, G>A. VCF-style: chrX-108620409-G-A. GRCh37 (hg19) VCF-style: chrX-107863639-G-A.
Other names: c.2660G>A, p.Gly887Asp (NM_000495.5); short protein forms G887D.
Identifiers: ClinVar variation 1452536 (VCV001452536.6), dbSNP rs104886201, ClinGen allele CA413851683.